The following is an entry in ClinVar:

NM_025114.4(CEP290):c.442-22dup

Gene: CEP290 (centrosomal protein 290; minus strand). Cytogenetic location: 12q21.32.
Variant type: Duplication.
Coding change: c.442-22dup on transcript NM_025114.4 (MANE Select); 22 bases into the intron before coding-DNA position 442, one base duplicated (T; older notation c.442-22dupT).
Molecular consequence: intron variant.
Genome position (GRCh38, 1-based): chr12:88,131,229, A duplicated on the plus strand (T on the coding strand, the reverse complement: CEP290 is on the minus strand); the first of 12 consecutive A bases (chr12:88,131,229-88,131,240); duplicating any one gives the same sequence. VCF-style (leftmost placement, unchanged base first): chr12-88131228-T-TA. GRCh37 (hg19) VCF-style: chr12-88525005-T-TA.
Other names: p.?; c.442-11dup (NM_025114.4).
Identifiers: ClinVar variation 310629 (VCV000310629.27), dbSNP rs199511358, ClinGen allele CA6712785.
Genomic context (GRCh38, chr12:88,131,228, plus strand): 5'-TCTTCTTAATTTGCTGTTTTCATTTTCTGCCTCCTCATTTCGAAGAGCCAACTAAAATAG[T>TA]AAAAAAAAAAAATAAATAAGAAGAAGATAAAATTCAGCAGTAATTTTTTTTTTTTTTGAG-3'

ClinVar aggregate classification (germline): Benign/Likely benign. Review status: criteria provided, multiple submitters, no conflicts (2 of 4 stars). 6 submissions from 6 submitters: Benign (3); Likely benign (2). 1 of the submissions does not count toward it. Last evaluated 2026-02-04.

Conditions:
Kidney disorder. Also called: renal disorder; renal disease; Nephropathy; Kidney Diseases; Kidney disease. Identifiers: MedGen C0022658, MONDO:0005240, HP:0000112.
Leber congenital amaurosis (LCA). Also called: Leber's amaurosis. Identifiers: Orphanet 65, MedGen C0339527, MeSH D057130, MONDO:0018998.
Meckel-Gruber syndrome. Also called: GRUBER SYNDROME; DYSENCEPHALIA SPLANCHNOCYSTICA; Dysencephalia splachnocystica. Identifiers: Orphanet 564, MedGen C0265215, MONDO:0018921.
Joubert syndrome. Also called: JOUBERT-BOLTSHAUSER SYNDROME; Familial aplasia of the vermis. Identifiers: Orphanet 475, MedGen C5979921, MONDO:0018772.
Nephronophthisis. Also called: Juvenile Nephronophthisis. Identifiers: Orphanet 655, MedGen C0687120, MONDO:0019005, HP:0000090.

Submissions (6):

Labcorp Genetics (formerly Invitae), Labcorp
Classification: Benign for Joubert syndrome; Meckel-Gruber syndrome; Nephronophthisis. Last evaluated: 2026-02-04. Review status: criteria provided, single submitter. Criteria: Invitae Variant Classification Sherloc (09022015). Collection method: clinical testing. Allele origin: germline.

Blueprint Genetics
Classification: Likely benign. Last evaluated: 2024-11-27. Review status: criteria provided, single submitter. Criteria: ACMG Guidelines, 2015. Collection method: clinical testing. Allele origin: germline.

Mayo Clinic Laboratories, Mayo Clinic
Classification: Benign. Last evaluated: 2022-11-08. Review status: criteria provided, single submitter. Criteria: ACMG Guidelines, 2015. Collection method: clinical testing. Allele origin: germline. Observed: 6 variant alleles.
Comment: BA1, BS2, BP4, BP7

Genome Diagnostics Laboratory, The Hospital for Sick Children
Classification: Benign for Kidney disorder. Last evaluated: 2022-01-07. Review status: criteria provided, single submitter. Criteria: ACMG Guidelines, 2015. Collection method: clinical testing. Allele origin: germline.

GeneDx
Classification: Likely benign. Last evaluated: 2019-08-28. Review status: criteria provided, single submitter. Criteria: GeneDx Variant Classification Process June 2021. Collection method: clinical testing. Allele origin: germline. Affected: yes.

Natera, Inc.
Classification: Benign for Leber congenital amaurosis. Last evaluated: 2019-09-25. Review status: no assertion criteria provided. Collection method: clinical testing. Allele origin: germline. Not counted in ClinVar's aggregate classification.